The following is an entry in ClinVar:

NM_018292.5(QRSL1):c.1092C>A (p.Thr364=)

Gene: QRSL1 (glutaminyl-tRNA amidotransferase subunit QRSL1; plus strand). Cytogenetic location: 6q21.
Variant type: single nucleotide variant.
Coding change: c.1092C>A on transcript NM_018292.5 (MANE Select); coding-DNA position 1092, C replaced by A.
Protein change: p.Thr364=; no amino-acid change (threonine 364 retained).
Molecular consequence: synonymous variant.
Genome position (GRCh38, 1-based): chr6:106,655,664, C>A. VCF-style: chr6-106655664-C-A. GRCh37 (hg19) VCF-style: chr6-107103539-C-A.
Other names: c.1092C>A (NM_018292.4).
Identifiers: ClinVar variation 1960624 (VCV001960624.13), dbSNP rs138471223, ClinGen allele CA144973970.

ClinVar aggregate classification (germline): Likely benign. Review status: criteria provided, multiple submitters, no conflicts (2 of 4 stars). 3 submissions from 3 submitters: Likely benign (2). 1 of the submissions does not count toward it. Last evaluated 2025-11-01.

Conditions:
QRSL1-related disorder. Also called: QRSL1-related condition.

gnomAD v4.1: 14 of 1,613,434 alleles (0.00087%); highest among the groups gnomAD compares: Admixed American, 0.01%; no homozygotes.

Submissions (3):

CeGaT Center for Human Genetics Tuebingen
Classification: Likely benign. Last evaluated: 2025-11-01. Review status: criteria provided, single submitter. Criteria: CeGaT Center For Human Genetics Tuebingen Variant Classification Criteria Version 2. Collection method: clinical testing. Allele origin: germline. Affected: yes. Observed: 1 variant allele.
Comment: QRSL1: BP4, BP7

Labcorp Genetics (formerly Invitae), Labcorp
Classification: Likely benign. Last evaluated: 2024-10-29. Review status: criteria provided, single submitter. Criteria: Invitae Variant Classification Sherloc (09022015). Collection method: clinical testing. Allele origin: germline.

PreventionGenetics, part of Exact Sciences
Classification: Likely benign for QRSL1-related condition. Last evaluated: 2019-04-29. Review status: no assertion criteria provided. Collection method: clinical testing. Allele origin: germline. Not counted in ClinVar's aggregate classification.
Comment: This variant is classified as likely benign based on ACMG/AMP sequence variant interpretation guidelines (Richards et al. 2015 PMID: 25741868, with internal and published modifications).